The following is an entry in ClinVar:

ClinVar aggregate classification (germline): Uncertain significance (1 of 4 stars; one submission).

Conditions:
Malignant hyperthermia, susceptibility to, 1 (MHS1). Also called: RYR1-Related Malignant Hyperthermia Susceptibility; Anesthesia related hyperthermia; Malignant hyperpyrexia; Fulminating hyperpyrexia; Pharmacogenic myopathy; Malignant hyperthermia suceptibility 1. Identifiers: Orphanet 423, MedGen C2930980, MONDO:0007783, OMIM 145600.

gnomAD v4.1: 5 of 1,614,100 alleles (0.00031%); highest among the groups gnomAD compares: Non-Finnish European, 0.00042%; no homozygotes.

Submission:

MVZ Medizinische Genetik Mainz
Classification: Uncertain significance for Malignant hyperthermia, susceptibility to, 1. Last evaluated: 2025-01-16. Review status: criteria provided, single submitter. Criteria: UK Practice Guidelines For Variant Classification V4 01 2020. Collection method: clinical testing. Allele origin: germline. Inheritance: Autosomal dominant inheritance. Affected: yes. Observed: 1 variant allele.
Comment: ACMG Criteria: PM2_SUP_MOD,PM1_SUP

NM_000540.3(RYR1):c.14920C>T (p.His4974Tyr)

Gene: RYR1 (ryanodine receptor 1; plus strand). Cytogenetic location: 19q13.2.
Variant type: single nucleotide variant.
Coding change: c.14920C>T on transcript NM_000540.3 (MANE Select); coding-DNA position 14920, C replaced by T.
Protein change: p.His4974Tyr; replaces histidine 4974 with tyrosine.
Molecular consequence: missense variant.
Genome position (GRCh38, 1-based): chr19:38,586,142, C>T. VCF-style: chr19-38586142-C-T. GRCh37 (hg19) VCF-style: chr19-39076782-C-T.
Other names: c.14905C>T, p.His4969Tyr (NM_001042723.2); short protein forms H4969Y, H4974Y.
Identifiers: ClinVar variation 3601997 (VCV003601997.1).